The following is an entry in ClinVar:

NM_016207.4(CPSF3):c.1002T>C (p.Ser334=)

Gene: CPSF3 (cleavage and polyadenylation specific factor 3; plus strand). Cytogenetic location: 2p25.1.
Variant type: single nucleotide variant.
Coding change: c.1002T>C on transcript NM_016207.4 (MANE Select); coding-DNA position 1002, T replaced by C.
Protein change: p.Ser334=; no amino-acid change (serine 334 retained).
Molecular consequence: synonymous variant.
Genome position (GRCh38, 1-based): chr2:9,441,883, T>C. VCF-style: chr2-9441883-T-C. GRCh37 (hg19) VCF-style: chr2-9582012-T-C.
Other names: c.891T>C, p.Ser297= (NM_001321833.2, NM_001321834.2); c.585T>C, p.Ser195= (NM_001321835.2); c.1014T>C, p.Ser338= (NM_001321836.2).
Identifiers: ClinVar variation 3771549 (VCV003771549.13).

ClinVar aggregate classification (germline): Likely benign (1 of 4 stars; one submission).

gnomAD v4.1: 164 of 1,614,080 alleles (0.01%); highest among the groups gnomAD compares: Non-Finnish European, 0.013%; no homozygotes.

Submission:

CeGaT Center for Human Genetics Tuebingen
Classification: Likely benign. Last evaluated: 2025-02-01. Review status: criteria provided, single submitter. Criteria: CeGaT Center For Human Genetics Tuebingen Variant Classification Criteria Version 2. Collection method: clinical testing. Allele origin: germline. Affected: yes. Observed: 1 variant allele.
Comment: CPSF3: BP4, BP7